The following is an entry in ClinVar:

ClinVar aggregate classification (germline): Uncertain significance (1 of 4 stars; one submission).

gnomAD v4.1: 2 of 1,613,042 alleles (0.00012%); no homozygotes.

Submission:

Labcorp Genetics (formerly Invitae), Labcorp
Classification: Uncertain significance. Last evaluated: 2025-04-01. Review status: criteria provided, single submitter. Criteria: Invitae Variant Classification Sherloc (09022015). Collection method: clinical testing. Allele origin: germline.
Comment: This sequence change replaces cysteine, which is neutral and slightly polar, with tyrosine, which is neutral and polar, at codon 5319 of the HMCN1 protein (p.Cys5319Tyr). This variant is not present in population databases (gnomAD no frequency). This variant has not been reported in the literature in individuals affected with HMCN1-related conditions. An algorithm developed to predict the effect of missense changes on protein structure and function (PolyPhen-2) suggests that this variant is likely to be disruptive. In summary, the available evidence is currently insufficient to determine the role of this variant in disease. Therefore, it has been classified as a Variant of Uncertain Significance.

NM_031935.3(HMCN1):c.15956G>A (p.Cys5319Tyr)

Gene: HMCN1 (hemicentin 1; plus strand). Cytogenetic location: 1q31.1.
Variant type: single nucleotide variant.
Coding change: c.15956G>A on transcript NM_031935.3 (MANE Select); coding-DNA position 15956, G replaced by A.
Protein change: p.Cys5319Tyr; replaces cysteine 5319 with tyrosine.
Molecular consequence: missense variant.
Genome position (GRCh38, 1-based): chr1:186,178,428, G>A. VCF-style: chr1-186178428-G-A. GRCh37 (hg19) VCF-style: chr1-186147560-G-A.
Other names: short protein forms C5319Y.
Identifiers: ClinVar variation 4706617 (VCV004706617.1).